The following is an entry in ClinVar:

ClinVar aggregate classification (germline): Benign/Likely benign. Review status: criteria provided, multiple submitters, no conflicts (2 of 4 stars). 5 submissions from 5 submitters: Benign (1); Likely benign (3). 1 of the submissions does not count toward it. Last evaluated 2026-01-09.

Conditions:
NEXMIF-related disorder. Also called: NEXMIF-related condition.

Allele frequency attached by ClinVar (database versions not stated): gnomAD exomes 0.00003 and 0.00008; ExAC 0.00007; gnomAD 0.00024 and 0.00027; TOPMed 0.00030.
gnomAD v4.1: 62 of 1,209,522 alleles (0.0051%); highest among the groups gnomAD compares: African/African-American, 0.086%; no homozygotes.

Submissions (5):

Labcorp Genetics (formerly Invitae), Labcorp
Classification: Benign. Last evaluated: 2026-01-09. Review status: criteria provided, single submitter. Criteria: Invitae Variant Classification Sherloc (09022015). Collection method: clinical testing. Allele origin: germline.

CeGaT Center for Human Genetics Tuebingen
Classification: Likely benign. Last evaluated: 2023-09-01. Review status: criteria provided, single submitter. Criteria: CeGaT Center For Human Genetics Tuebingen Variant Classification Criteria Version 2. Collection method: clinical testing. Allele origin: germline. Affected: yes. Observed: 1 variant allele.
Comment: NEXMIF: BP4, BP7, BS2

GeneDx
Classification: Likely benign. Last evaluated: 2021-04-23. Review status: criteria provided, single submitter. Criteria: GeneDx Variant Classification Process June 2021. Collection method: clinical testing. Allele origin: germline. Affected: yes.

Ambry Genetics
Classification: Likely benign. Last evaluated: 2016-05-17. Review status: criteria provided, single submitter. Criteria: Ambry Variant Classification Scheme 2023. Collection method: clinical testing. Allele origin: germline.

PreventionGenetics, part of Exact Sciences
Classification: Likely benign for NEXMIF-related condition. Last evaluated: 2019-08-23. Review status: no assertion criteria provided. Collection method: clinical testing. Allele origin: germline. Not counted in ClinVar's aggregate classification.
Comment: This variant is classified as likely benign based on ACMG/AMP sequence variant interpretation guidelines (Richards et al. 2015 PMID: 25741868, with internal and published modifications).

NM_001008537.3(NEXMIF):c.4320C>T (p.Asn1440=)

Gene: NEXMIF (neurite extension and migration factor; minus strand). Cytogenetic location: Xq13.3.
Variant type: single nucleotide variant.
Coding change: c.4320C>T on transcript NM_001008537.3 (MANE Select); coding-DNA position 4320, C replaced by T.
Protein change: p.Asn1440=; no amino-acid change (asparagine 1440 retained).
Molecular consequence: synonymous variant.
Genome position (GRCh38, 1-based): chrX:74,740,237, G>A on the plus strand (C>T on the coding strand, the complement: NEXMIF is on the minus strand). VCF-style: chrX-74740237-G-A. GRCh37 (hg19) VCF-style: chrX-73960072-G-A.
Identifiers: ClinVar variation 587915 (VCV000587915.40), dbSNP rs769979162, ClinGen allele CA10454848.
Genomic context (GRCh38, chrX:74,740,237, plus strand): 5'-CTCATCTCTCAGGGCCTTGGAGCTGGATTTGTGACGATACAACTTTTTGTGTGTCGGTCC[G>A]TTATTGCCTAAAGTGCTCATGTTACTATACTTTTTATCAAAGAAGGTAGAGCGAGAGTCC-3'
Protein context (NP_001008537.1, residues 1430-1450): KYSNMSTLGN[Asn1440=]GPTHKKLYRH